The following is an entry in ClinVar:

NM_001143764.3(SYCE1):c.1005C>T (p.Leu335=)

Gene: SYCE1 (synaptonemal complex central element protein 1; minus strand). Cytogenetic location: 10q26.3.
Variant type: single nucleotide variant.
Coding change: c.1005C>T on transcript NM_001143764.3 (MANE Select); coding-DNA position 1005, C replaced by T.
Protein change: p.Leu335=; no amino-acid change (leucine 335 retained).
Molecular consequence: synonymous variant. On other transcripts: intron variant (2).
Genome position (GRCh38, 1-based): chr10:133,555,043, G>A on the plus strand (C>T on the coding strand, the complement: SYCE1 is on the minus strand). VCF-style: chr10-133555043-G-A. GRCh37 (hg19) VCF-style: chr10-135368547-G-A.
Other names: c.810+308C>T (NM_130784.4); c.918+308C>T (NM_001143763.2).
Identifiers: ClinVar variation 3058598 (VCV003058598.2), dbSNP rs1564854550, ClinGen allele CA472419378.

ClinVar aggregate classification (germline): Likely benign (0 of 4 stars; one submission).

Conditions:
SYCE1-related disorder. Also called: SYCE1-related condition.

gnomAD v4.1: 34 of 1,551,496 alleles (0.0022%); highest among the groups gnomAD compares: Non-Finnish European, 0.0027%; no homozygotes.

Submission:

PreventionGenetics, part of Exact Sciences
Classification: Likely benign for SYCE1-related condition. Last evaluated: 2019-03-20. Review status: no assertion criteria provided. Collection method: clinical testing. Allele origin: germline.
Comment: This variant is classified as likely benign based on ACMG/AMP sequence variant interpretation guidelines (Richards et al. 2015 PMID: 25741868, with internal and published modifications).